The following is an entry in ClinVar:

ClinVar aggregate classification (germline): Pathogenic. Review status: criteria provided, multiple submitters, no conflicts (2 of 4 stars). 3 submissions from 3 submitters: Pathogenic (3). Last evaluated 2023-03-30.

Conditions:
Diamond-Blackfan anemia. Also called: Aase syndrome; Blackfan Diamond syndrome; Aregenerative anemia chronic congenital; Red cell aplasia, pure hereditary; Congenital hypoplastic anemia. Identifiers: Orphanet 124, MedGen C1260899, MeSH D029503, MONDO:0015253, HP:0004810.

Submissions (3):

Labcorp Genetics (formerly Invitae), Labcorp
Classification: Pathogenic for Diamond-Blackfan anemia. Last evaluated: 2023-03-30. Review status: criteria provided, single submitter. Criteria: Invitae Variant Classification Sherloc (09022015). Collection method: clinical testing. Allele origin: germline.
Comment: Algorithms developed to predict the effect of variants on protein structure and function are not available or were not evaluated for this variant. This sequence change creates a premature translational stop signal (p.Gly136*) in the RPS19 gene. While this is not anticipated to result in nonsense mediated decay, it is expected to disrupt the last 10 amino acid(s) of the RPS19 protein. This variant is not present in population databases (gnomAD no frequency). This premature translational stop signal has been observed in individual(s) with Diamond-Blackfan anemia (PMID: 25946618; Invitae). In at least one individual the variant was observed to be de novo. ClinVar contains an entry for this variant (Variation ID: 372495). Experimental studies have shown that this premature translational stop signal affects RPS19 function (PMID: 29766597). This variant disrupts a region of the RPS19 protein in which other variant(s) (p.Gln137*) have been observed in individuals with RPS19-related conditions (Invitae). This suggests that this is a clinically significant region of the protein, and that variants that disrupt it are likely to be disease-causing. For these reasons, this variant has been classified as Pathogenic.

Ambry Genetics
Classification: Pathogenic for Diamond-Blackfan anemia. Last evaluated: 2017-05-31. Review status: criteria provided, single submitter. Criteria: Ambry Variant Classification Scheme 2023. Collection method: clinical testing. Allele origin: germline.
Comment: The p.G136* pathogenic mutation (also known as c.406G>T), located in coding exon 4 of the RPS19 gene, results from a G to T substitution at nucleotide position 406. This changes the amino acid from a glycine to a stop codon within coding exon 4. This mutation was identified an individual with Diamond-Blackfan anemia (Smetanina NS et al. Pediatr Blood Cancer, 2015 Sep;62:1597-600). In addition to the clinical data presented in the literature, this alteration is expected to result in loss of function by premature protein truncation. As such, this alteration is interpreted as a disease-causing mutation.

GeneDx
Classification: Pathogenic. Last evaluated: 2015-07-10. Review status: criteria provided, single submitter. Criteria: GeneDx Variant Classification (06012015). Collection method: clinical testing. Allele origin: germline. Affected: yes.
Comment: The G136X nonsense variant in the RPS19 gene is predicted to cause loss of normal protein function throughprotein truncation. Although this variant has not been reported previously to our knowledge, we interpret it as pathogenic.

Literature cited by the submitters: PubMed 25946618 (cited by Labcorp Genetics (formerly Invitae), Labcorp and Ambry Genetics); PubMed 29766597 (cited by Labcorp Genetics (formerly Invitae), Labcorp).

NM_001022.4(RPS19):c.406G>T (p.Gly136Ter)

Genes: RPS19 (ribosomal protein S19; plus strand), RPS19-CD79A (RPS19-CD79A readthrough; plus strand). Cytogenetic location: 19q13.2.
Variant type: single nucleotide variant.
Coding change: c.406G>T on transcript NM_001022.4 (MANE Select); coding-DNA position 406, G replaced by T.
Protein change: p.Gly136Ter; replaces glycine 136 with a stop codon.
Molecular consequence: nonsense. On other transcripts: missense variant (1).
Genome position (GRCh38, 1-based): chr19:41,869,748, G>T. VCF-style: chr19-41869748-G-T. GRCh37 (hg19) VCF-style: chr19-42373818-G-T.
Other names: c.406G>T, p.Gly136Ter (NM_001321483.2, NM_001321484.2); c.419G>T, p.Arg140Leu (NM_001321485.2); short protein forms G136*, R140L.
Identifiers: ClinVar variation 372495 (VCV000372495.7), dbSNP rs144337183, ClinGen allele CA16043115.